The following is an entry in ClinVar:

ClinVar aggregate classification (germline): Uncertain significance (1 of 4 stars; one submission).

Allele frequency attached by ClinVar (database versions not stated): gnomAD exomes below 0.00001; ExAC 0.00001.
gnomAD v4.1: 1 of 1,613,862 alleles (0.000062%); highest among the groups gnomAD compares: Admixed American, 0.0017%; no homozygotes.

Submission:

Labcorp Genetics (formerly Invitae), Labcorp
Classification: Uncertain significance. Last evaluated: 2022-07-14. Review status: criteria provided, single submitter. Criteria: Invitae Variant Classification Sherloc (09022015). Collection method: clinical testing. Allele origin: germline.
Comment: This sequence change replaces isoleucine, which is neutral and non-polar, with valine, which is neutral and non-polar, at codon 154 of the ERCC6 protein (p.Ile154Val). In summary, the available evidence is currently insufficient to determine the role of this variant in disease. Therefore, it has been classified as a Variant of Uncertain Significance. Algorithms developed to predict the effect of missense changes on protein structure and function (SIFT, PolyPhen-2, Align-GVGD) all suggest that this variant is likely to be disruptive. This variant has not been reported in the literature in individuals affected with ERCC6-related conditions. This variant is present in population databases (rs777478670, gnomAD 0.003%).

NM_000124.4(ERCC6):c.460A>G (p.Ile154Val)

Gene: ERCC6 (ERCC excision repair 6, chromatin remodeling factor; minus strand). Cytogenetic location: 10q11.23.
Variant type: single nucleotide variant.
Coding change: c.460A>G on transcript NM_000124.4 (MANE Select); coding-DNA position 460, A replaced by G.
Protein change: p.Ile154Val; replaces isoleucine 154 with valine.
Molecular consequence: missense variant.
Genome position (GRCh38, 1-based): chr10:49,530,803, T>C on the plus strand (A>G on the coding strand, the complement: ERCC6 is on the minus strand). VCF-style: chr10-49530803-T-C. GRCh37 (hg19) VCF-style: chr10-50738849-T-C.
Other names: c.460A>G, p.Ile154Val (NM_001277058.2, NM_001277059.2, NM_001346440.2); short protein forms I154V.
Identifiers: ClinVar variation 2170576 (VCV002170576.4), dbSNP rs777478670, ClinGen allele CA5496527.